The following is an entry in ClinVar:

ClinVar aggregate classification (germline): Uncertain significance (1 of 4 stars; one submission).

Conditions:
Biotin-responsive basal ganglia disease (BTBGD). Also called: thiamine-responsive encephalopathy; Thiamine Transporter-2 Deficiency; Thiamine metabolism dysfunction syndrome 2 (biotin- or thiamine-responsive encephalopathy type 2); Thiamine metabolism dysfunction syndrome type 2; THIAMINE METABOLISM DYSFUNCTION SYNDROME 2 (BIOTIN- AND THIAMINE-RESPONSIVE TYPE). Identifiers: Orphanet 199348, Orphanet 65284, MedGen C1843807, MONDO:0011841, OMIM 607483.

Allele frequency attached by ClinVar (database versions not stated): gnomAD exomes below 0.00001 and 0.00001; TOPMed 0.00001.
gnomAD v4.1: 2 of 1,614,184 alleles (0.00012%); highest among the groups gnomAD compares: African/African-American, 0.0013%; no homozygotes.

Submission:

Labcorp Genetics (formerly Invitae), Labcorp
Classification: Uncertain significance for Biotin-responsive basal ganglia disease. Last evaluated: 2021-08-09. Review status: criteria provided, single submitter. Criteria: Invitae Variant Classification Sherloc (09022015). Collection method: clinical testing. Allele origin: germline.
Comment: This sequence change replaces alanine with valine at codon 290 of the SLC19A3 protein (p.Ala290Val). The alanine residue is moderately conserved and there is a small physicochemical difference between alanine and valine. This variant is not present in population databases (ExAC no frequency). This variant has not been reported in the literature in individuals affected with SLC19A3-related conditions. Advanced modeling of protein sequence and biophysical properties (such as structural, functional, and spatial information, amino acid conservation, physicochemical variation, residue mobility, and thermodynamic stability) performed at Invitae indicates that this missense variant is expected to disrupt SLC19A3 protein function. Algorithms developed to predict the effect of sequence changes on RNA splicing suggest that this variant may create or strengthen a splice site. In summary, the available evidence is currently insufficient to determine the role of this variant in disease. Therefore, it has been classified as a Variant of Uncertain Significance.

NM_025243.4(SLC19A3):c.869C>T (p.Ala290Val)

Gene: SLC19A3 (solute carrier family 19 member 3; minus strand). Cytogenetic location: 2q36.3.
Variant type: single nucleotide variant.
Coding change: c.869C>T on transcript NM_025243.4 (MANE Select); coding-DNA position 869, C replaced by T.
Protein change: p.Ala290Val; replaces alanine 290 with valine.
Molecular consequence: missense variant.
Genome position (GRCh38, 1-based): chr2:227,698,846, G>A on the plus strand (C>T on the coding strand, the complement: SLC19A3 is on the minus strand). VCF-style: chr2-227698846-G-A. GRCh37 (hg19) VCF-style: chr2-228563562-G-A.
Other names: c.869C>T, p.Ala290Val (NM_001371411.1, NM_001371412.1); c.857C>T, p.Ala286Val (NM_001371413.1, NM_001371414.1); short protein forms A286V, A290V.
Identifiers: ClinVar variation 1426122 (VCV001426122.4), dbSNP rs1289482106, ClinGen allele CA350876289.